The following is an entry in ClinVar:

NM_001323289.2(CDKL5):c.2057A>T (p.Tyr686Phe)

Gene: CDKL5 (cyclin dependent kinase like 5; plus strand). Cytogenetic location: Xp22.13.
Variant type: single nucleotide variant.
Coding change: c.2057A>T on transcript NM_001323289.2 (MANE Select); coding-DNA position 2057, A replaced by T.
Protein change: p.Tyr686Phe; replaces tyrosine 686 with phenylalanine.
Molecular consequence: missense variant.
Genome position (GRCh38, 1-based): chrX:18,609,475, A>T. VCF-style: chrX-18609475-A-T. GRCh37 (hg19) VCF-style: chrX-18627595-A-T.
Other names: c.2057A>T, p.Tyr686Phe (NM_001037343.2, NM_003159.3); c.2057A>T (NM_003159.2); short protein forms Y686F.
Identifiers: ClinVar variation 1520501 (VCV001520501.9), dbSNP rs2047709269, ClinGen allele CA412366278.

ClinVar aggregate classification (germline): Uncertain significance. Review status: criteria provided, multiple submitters, no conflicts (2 of 4 stars). 2 submissions from 2 submitters: Uncertain significance (2). Last evaluated 2025-01-24.

Conditions:
Angelman syndrome-like. Identifiers: MedGen CN128785.
Developmental and epileptic encephalopathy, 2 (DEE2). Also called: INFANTILE SPASM SYNDROME, X-LINKED 2; CDKL5 deficiency disorder. Identifiers: Orphanet 1934, Orphanet 3451, Orphanet 505652, MedGen C4750718, MONDO:0010396, OMIM 300672.

Allele frequency attached by ClinVar (database versions not stated): gnomAD exomes below 0.00001; TOPMed below 0.00001.
gnomAD v4.1: 1 of 1,211,808 alleles (0.000083%); highest among the groups gnomAD compares: Non-Finnish European, 0.00011%; no homozygotes.

Submissions (2):

GeneDx
Classification: Uncertain significance. Last evaluated: 2025-01-24. Review status: criteria provided, single submitter. Criteria: GeneDx Variant Classification Process June 2021. Collection method: clinical testing. Allele origin: germline. Affected: yes.
Comment: Not observed at significant frequency in large population cohorts (gnomAD); In silico analysis indicates that this missense variant does not alter protein structure/function; Has not been previously published as pathogenic or benign to our knowledge

Labcorp Genetics (formerly Invitae), Labcorp
Classification: Uncertain significance for Developmental and epileptic encephalopathy, 2; Angelman syndrome-like. Last evaluated: 2023-05-25. Review status: criteria provided, single submitter. Criteria: Invitae Variant Classification Sherloc (09022015). Collection method: clinical testing. Allele origin: germline.
Comment: This sequence change replaces tyrosine, which is neutral and polar, with phenylalanine, which is neutral and non-polar, at codon 686 of the CDKL5 protein (p.Tyr686Phe). This variant is not present in population databases (gnomAD no frequency). This variant has not been reported in the literature in individuals affected with CDKL5-related conditions. ClinVar contains an entry for this variant (Variation ID: 1520501). Advanced modeling of protein sequence and biophysical properties (such as structural, functional, and spatial information, amino acid conservation, physicochemical variation, residue mobility, and thermodynamic stability) performed at Invitae indicates that this missense variant is not expected to disrupt CDKL5 protein function. In summary, the available evidence is currently insufficient to determine the role of this variant in disease. Therefore, it has been classified as a Variant of Uncertain Significance.